The following is an entry in ClinVar:

ClinVar aggregate classification (germline): Likely pathogenic (1 of 4 stars; one submission).

Conditions:
X-linked Alport syndrome (ATS1). Also called: COL4A5-Related Nephropathy; NEPHROPATHY AND DEAFNESS, X-LINKED. Identifiers: Orphanet 63, Orphanet 88917, MedGen C4746986, MONDO:0010520, OMIM 301050.

Submission:

Women's Health and Genetics/Laboratory Corporation of America, LabCorp
Classification: Likely pathogenic for Alport syndrome X-linked. Last evaluated: 2020-09-28. Review status: criteria provided, single submitter. Criteria: LabCorp Variant Classification Summary - May 2015. Collection method: clinical testing. Allele origin: germline.
Comment: Variant summary: COL4A5 c.2802dupT (p.Gly935TrpfsX8) results in a premature termination codon, predicted to cause a truncation of the encoded protein or absence of the protein due to nonsense mediated decay, which are commonly known mechanisms for disease. The variant was absent in 182972 control chromosomes (gnomAD). c.2802dupT has been reported in the literature in individuals affected with Alport Syndrome 1, X-Linked Recessive (Lemmink_1997, Martin_1998, Hertz_2001). These data indicate that the variant may be associated with disease. To our knowledge, no experimental evidence demonstrating an impact on protein function has been reported. One ClinVar submitter (evaluation after 2014) cites the variant as pathogenic. Based on the evidence outlined above, the variant was classified as likely pathogenic.

Literature cited by the submitters: PubMed 11462238; PubMed 9195222; PubMed 9848783.

NM_033380.3(COL4A5):c.2802dup (p.Gly935fs)

Gene: COL4A5 (collagen type IV alpha 5 chain; plus strand). Cytogenetic location: Xq22.3.
Variant type: Duplication.
Coding change: c.2802dup on transcript NM_033380.3 (MANE Select); coding-DNA position 2802, one base duplicated (T; older notation c.2802dupT).
Protein change: p.Gly935fs; shifts the reading frame from glycine 935.
Molecular consequence: frameshift variant.
Genome position (GRCh38, 1-based): chrX:108,622,710, T duplicated. VCF-style (leftmost placement, unchanged base first): chrX-108622709-C-CT. GRCh37 (hg19) VCF-style: chrX-107865939-C-CT.
Other names: c.2802dup, p.Gly935fs (NM_000495.5); c.2802dupT (NM_000495.4); short protein forms G935fs.
Identifiers: ClinVar variation 587295 (VCV000587295.3), dbSNP rs104886368, ClinGen allele CA258765.
Genomic context (GRCh38, chrX:108,622,709, plus strand): 5'-TTGTGTTTTCACACACATTGATTTTAGGTGATGATGGCTTGCAGGGTCAGCCAGGACTTC[C>CT]TGGCCCTACAGGAGAAAAAGGTAGTAAAGGAGAGCCTGGCCTTCCAGGCCCTCCTGGACC-3'